The following is an entry in ClinVar:

NM_001394998.1(TANC2):c.897G>A (p.Leu299=)

Gene: TANC2 (tetratricopeptide repeat, ankyrin repeat and coiled-coil containing 2; plus strand). Cytogenetic location: 17q23.3.
Variant type: single nucleotide variant.
Coding change: c.897G>A on transcript NM_001394998.1 (MANE Select); coding-DNA position 897, G replaced by A.
Protein change: p.Leu299=; no amino-acid change (leucine 299 retained).
Molecular consequence: synonymous variant.
Genome position (GRCh38, 1-based): chr17:63,237,941, G>A. VCF-style: chr17-63237941-G-A. GRCh37 (hg19) VCF-style: chr17-61315302-G-A.
Other names: c.675G>A, p.Leu225= (NM_001411076.1, NM_025185.4).
Identifiers: ClinVar variation 2498718 (VCV002498718.28), dbSNP rs2509398637, ClinGen allele CA501313206.
Genomic context (GRCh38, chr17:63,237,941, plus strand): 5'-AGGATCTGGAGGAAACATAAAACCTTGGCAGTCTCAAAAATCCAGCATGGACTCCTGTTT[G>A]TATCGAGTAGATGAAAACATGACTGCTTCCACCTATAGTCTGAATAAGATCCCAGAGAGA-3'
Protein context (NP_001381927.1, residues 289-309): QSQKSSMDSC[Leu299=]YRVDENMTAS

ClinVar aggregate classification (germline): Likely benign (1 of 4 stars; one submission).

Submission:

CeGaT Center for Human Genetics Tuebingen
Classification: Likely benign. Last evaluated: 2023-02-01. Review status: criteria provided, single submitter. Criteria: CeGaT Center For Human Genetics Tuebingen Variant Classification Criteria Version 2. Collection method: clinical testing. Allele origin: germline. Affected: yes. Observed: 1 variant allele.
Comment: TANC2: PM2:Supporting, BP4, BP7